The following is an entry in ClinVar:

NM_000363.5(TNNI3):c.194C>T (p.Ala65Val)

Gene: TNNI3 (troponin I3, cardiac type; minus strand). Cytogenetic location: 19q13.42.
Variant type: single nucleotide variant.
Coding change: c.194C>T on transcript NM_000363.5 (MANE Select); coding-DNA position 194, C replaced by T.
Protein change: p.Ala65Val; replaces alanine 65 with valine.
Molecular consequence: missense variant.
Genome position (GRCh38, 1-based): chr19:55,156,289, G>A on the plus strand (C>T on the coding strand, the complement: TNNI3 is on the minus strand). VCF-style: chr19-55156289-G-A. GRCh37 (hg19) VCF-style: chr19-55667657-G-A.
Other names: c.194C>T (LRG_432t1); short protein forms A65V.
Identifiers: ClinVar variation 373938 (VCV000373938.11), dbSNP rs1057518784, ClinGen allele CA16043560.

ClinVar aggregate classification (germline): Uncertain significance. Review status: criteria provided, multiple submitters, no conflicts (2 of 4 stars). 5 submissions from 5 submitters: Uncertain significance (5). Last evaluated 2025-12-09.

Conditions:
Primary dilated cardiomyopathy (DCM). Also called: Dilated Cardiomyopathy. Identifiers: Orphanet 217604, MedGen C0007193, MeSH D002311, MONDO:0005021, HP:0001644. Inheritance: Various modes of inheritance.
Hypertrophic cardiomyopathy. Also called: HYPERTROPHIC MYOCARDIOPATHY. Identifiers: Orphanet 217569, MedGen C0007194, MeSH D002312, MONDO:0005045, HP:0001639.
Cardiovascular phenotype. Identifiers: MedGen CN230736.
Cardiomyopathy (CMYO). Also called: Cardiomyopathies. Identifiers: Orphanet 167848, MedGen C0878544, MONDO:0004994, HP:0001638. Inheritance: Various modes of inheritance.

Allele frequency attached by ClinVar (database versions not stated): gnomAD exomes below 0.00001.
gnomAD v4.1: 4 of 1,610,888 alleles (0.00025%); highest among the groups gnomAD compares: South Asian, 0.0022%; no homozygotes.

Submissions (5):

Labcorp Genetics (formerly Invitae), Labcorp
Classification: Uncertain significance for Hypertrophic cardiomyopathy. Last evaluated: 2025-12-09. Review status: criteria provided, single submitter. Criteria: Invitae Variant Classification Sherloc (09022015). Collection method: clinical testing. Allele origin: germline.
Comment: This sequence change replaces alanine, which is neutral and non-polar, with valine, which is neutral and non-polar, at codon 65 of the TNNI3 protein (p.Ala65Val). The frequency data for this variant in the population databases is considered unreliable, as metrics indicate poor data quality at this position in the gnomAD database. This variant has not been reported in the literature in individuals affected with TNNI3-related conditions. ClinVar contains an entry for this variant (Variation ID: 373938). An algorithm developed to predict the effect of missense changes on protein structure and function (PolyPhen-2) suggests that this variant is likely to be tolerated. In summary, the available evidence is currently insufficient to determine the role of this variant in disease. Therefore, it has been classified as a Variant of Uncertain Significance.

Color Diagnostics, LLC DBA Color Health
Classification: Uncertain significance for Cardiomyopathy. Last evaluated: 2024-03-06. Review status: criteria provided, single submitter. Criteria: ACMG Guidelines, 2015. Collection method: clinical testing. Allele origin: germline.
Comment: This missense variant replaces alanine with valine at codon 65 of the TNNI3 protein. Computational prediction suggests that this variant may not impact protein structure and function (internally defined REVEL score threshold <= 0.5, PMID: 27666373). To our knowledge, functional studies have not been reported for this variant. This variant has not been reported in individuals affected with TNNI3-related disorders in the literature. This variant has been identified in 1/236282 chromosomes in the general population by the Genome Aggregation Database (gnomAD). The available evidence is insufficient to determine the role of this variant in disease conclusively. Therefore, this variant is classified as a Variant of Uncertain Significance.

All of Us Research Program, National Institutes of Health
Classification: Uncertain significance for Hypertrophic cardiomyopathy. Last evaluated: 2023-12-13. Review status: criteria provided, single submitter. Criteria: ACMG Guidelines, 2015. Collection method: clinical testing. Allele origin: germline. Inheritance: Autosomal dominant inheritance. Observed: 1 variant allele, 1 heterozygote.
Comment: This missense variant replaces alanine with valine at codon 65 of the TNNI3 protein. Computational prediction tool suggests that this variant may not impact protein structure and function (internally defined REVEL score threshold <=0.5, PMID: 27666373). Splice site prediction tools suggest that this variant may not impact RNA splicing. To our knowledge, functional studies have not been performed for this variant. This variant has not been reported in individuals affected with cardiovascular disorders in the literature. This variant has been identified in 1/236282 chromosomes in the general population by the Genome Aggregation Database (gnomAD). The available evidence is insufficient to determine the role of this variant in disease conclusively. Therefore, this variant is classified as a Variant of Uncertain Significance.

This study involves interpretation of variants in research participants for the purpose of population health screening. Participant phenotype was not available at the time of variant classification. Additional details can be found in publication PMID: 35346344, PMCID: PMC8962531

Ambry Genetics
Classification: Uncertain significance for Cardiovascular phenotype. Last evaluated: 2021-09-30. Review status: criteria provided, single submitter. Criteria: Ambry Variant Classification Scheme 2023. Collection method: clinical testing. Allele origin: germline.
Comment: The p.A65V variant (also known as c.194C>T), located in coding exon 5 of the TNNI3 gene, results from a C to T substitution at nucleotide position 194. The alanine at codon 65 is replaced by valine, an amino acid with similar properties. This amino acid position is conserved. In addition, the in silico prediction for this alteration is inconclusive. Since supporting evidence is limited at this time, the clinical significance of this alteration remains unclear.

Centre for Mendelian Genomics, University Medical Centre Ljubljana
Classification: Uncertain significance for Dilated cardiomyopathy. Last evaluated: 2015-10-27. Review status: criteria provided, single submitter. Criteria: ACMG Guidelines, 2015. Collection method: clinical testing. Allele origin: unknown. Affected: yes.